The following is an entry in ClinVar:

NM_001384140.1(PCDH15):c.1201C>T (p.Gln401Ter)

Gene: PCDH15 (protocadherin related 15; minus strand). Cytogenetic location: 10q21.1.
Variant type: single nucleotide variant.
Coding change: c.1201C>T on transcript NM_001384140.1 (MANE Select); coding-DNA position 1201, C replaced by T.
Protein change: p.Gln401Ter; replaces glutamine 401 with a stop codon.
Molecular consequence: nonsense.
Genome position (GRCh38, 1-based): chr10:54,195,787, G>A on the plus strand (C>T on the coding strand, the complement: PCDH15 is on the minus strand). VCF-style: chr10-54195787-G-A. GRCh37 (hg19) VCF-style: chr10-55955547-G-A.
Other names: c.1216C>T, p.Gln406Ter (NM_001142763.2, NM_001142769.4, NM_001142771.2); c.1201C>T, p.Gln401Ter (NM_001142764.2, NM_001142765.2, NM_001142766.2 and 7 more transcripts); c.1090C>T, p.Gln364Ter (NM_001142767.2); c.1135C>T, p.Gln379Ter (NM_001142768.2, NM_001142773.2, NM_001354404.2); short protein forms Q379*, Q401*, Q364*, Q406*.
Identifiers: ClinVar variation 2791372 (VCV002791372.5), dbSNP rs2049552830, ClinGen allele CA376519046.

ClinVar aggregate classification (germline): Pathogenic/Likely pathogenic. Review status: criteria provided, multiple submitters, no conflicts (2 of 4 stars). 3 submissions from 3 submitters: Pathogenic (1); Likely pathogenic (2). Last evaluated 2024-02-26.

Conditions:
Autosomal recessive nonsyndromic hearing loss 23. Identifiers: Orphanet 90636, MedGen C1836027, MONDO:0012293, OMIM 609533.
PCDH15-related disorder. Also called: PCDH15-related condition; PCDH15-related disorders.

Submissions (3):

Baylor Genetics
Classification: Likely pathogenic for Autosomal recessive nonsyndromic hearing loss 23. Last evaluated: 2024-02-26. Review status: criteria provided, single submitter. Criteria: ACMG Guidelines, 2015. Collection method: clinical testing. Allele origin: unknown.

Labcorp Genetics (formerly Invitae), Labcorp
Classification: Pathogenic. Last evaluated: 2023-03-01. Review status: criteria provided, single submitter. Criteria: Invitae Variant Classification Sherloc (09022015). Collection method: clinical testing. Allele origin: germline.
Comment: This sequence change creates a premature translational stop signal (p.Gln401*) in the PCDH15 gene. It is expected to result in an absent or disrupted protein product. Loss-of-function variants in PCDH15 are known to be pathogenic (PMID: 11398101, 11487575, 14570705). This variant is not present in population databases (gnomAD no frequency). This variant has not been reported in the literature in individuals affected with PCDH15-related conditions. For these reasons, this variant has been classified as Pathogenic.

Blueprint Genetics
Classification: Likely pathogenic for PCDH15-related disorders. Last evaluated: 2022-10-06. Review status: criteria provided, single submitter. Criteria: ACMG Guidelines, 2015. Collection method: clinical testing. Allele origin: germline. Affected: yes. Observed: 2 variant alleles.

Literature cited by the submitters: PubMed 11398101 (cited by Labcorp Genetics (formerly Invitae), Labcorp); PubMed 11487575 (cited by Labcorp Genetics (formerly Invitae), Labcorp); PubMed 14570705 (cited by Labcorp Genetics (formerly Invitae), Labcorp).